The following is an entry in ClinVar:

ClinVar aggregate classification (germline): Uncertain significance (1 of 4 stars; one submission).

Allele frequency attached by ClinVar (database versions not stated): gnomAD exomes below 0.00001; gnomAD 0.00001.
gnomAD v4.1: 4 of 1,613,856 alleles (0.00025%); highest among the groups gnomAD compares: Non-Finnish European, 0.00034%; no homozygotes.

Submission:

Labcorp Genetics (formerly Invitae), Labcorp
Classification: Uncertain significance. Last evaluated: 2022-07-06. Review status: criteria provided, single submitter. Criteria: Invitae Variant Classification Sherloc (09022015). Collection method: clinical testing. Allele origin: germline.
Comment: This variant has not been reported in the literature in individuals affected with RETREG1-related conditions. This variant is present in population databases (no rsID available, gnomAD 0.007%). This sequence change replaces glutamine, which is neutral and polar, with histidine, which is basic and polar, at codon 379 of the RETREG1 protein (p.Gln379His). In summary, the available evidence is currently insufficient to determine the role of this variant in disease. Therefore, it has been classified as a Variant of Uncertain Significance. Algorithms developed to predict the effect of missense changes on protein structure and function output the following: SIFT: "Deleterious"; PolyPhen-2: "Benign"; Align-GVGD: "Class C0". The histidine amino acid residue is found in multiple mammalian species, which suggests that this missense change does not adversely affect protein function. ClinVar contains an entry for this variant (Variation ID: 943809).

NM_001034850.3(RETREG1):c.1137G>C (p.Gln379His)

Gene: RETREG1 (reticulophagy regulator 1; minus strand). Cytogenetic location: 5p15.1.
Variant type: single nucleotide variant.
Coding change: c.1137G>C on transcript NM_001034850.3 (MANE Select); coding-DNA position 1137, G replaced by C.
Protein change: p.Gln379His; replaces glutamine 379 with histidine.
Molecular consequence: missense variant.
Genome position (GRCh38, 1-based): chr5:16,475,098, C>G on the plus strand (G>C on the coding strand, the complement: RETREG1 is on the minus strand). VCF-style: chr5-16475098-C-G. GRCh37 (hg19) VCF-style: chr5-16475207-C-G.
Other names: c.714G>C, p.Gln238His (NM_019000.5); short protein forms Q238H, Q379H.
Identifiers: ClinVar variation 943809 (VCV000943809.9), dbSNP rs1282248296, ClinGen allele CA359256349.
Genomic context (GRCh38, chr5:16,475,098, plus strand): 5'-AGGAAGGGTGAGACCAGCTGCTGATTGCGTCTCTTTGCTTGGTCTGTGACCACTGTCCAA[C>G]TGTTCCTTCTTTCTCTTGAGCTCAGTGGGCAAACCAAGGCTTAATTCATCTTCATCATTT-3'
Protein context (NP_001030022.1, residues 369-389): LPTELKRKKE[Gln379His]LDSGHRPSKE